The following is an entry in ClinVar:

NM_000181.4(GUSB):c.1423C>A (p.Pro475Thr)

Gene: GUSB (glucuronidase beta; minus strand). Cytogenetic location: 7q11.21.
Variant type: single nucleotide variant.
Coding change: c.1423C>A on transcript NM_000181.4 (MANE Select); coding-DNA position 1423, C replaced by A.
Protein change: p.Pro475Thr; replaces proline 475 with threonine.
Molecular consequence: missense variant.
Genome position (GRCh38, 1-based): chr7:65,970,335, G>T on the plus strand (C>A on the coding strand, the complement: GUSB is on the minus strand). VCF-style: chr7-65970335-G-T. GRCh37 (hg19) VCF-style: chr7-65435322-G-T.
Other names: c.985C>A, p.Pro329Thr (NM_001284290.2); c.853C>A, p.Pro285Thr (NM_001293104.2); c.766C>A, p.Pro256Thr (NM_001293105.2); short protein forms P256T, P285T, P329T, P475T.
Identifiers: ClinVar variation 1895396 (VCV001895396.3), dbSNP rs1791109749, ClinGen allele CA367641681.

ClinVar aggregate classification (germline): Uncertain significance. Review status: criteria provided, multiple submitters, no conflicts (2 of 4 stars). 2 submissions from 2 submitters: Uncertain significance (2). Last evaluated 2022-08-16.

Conditions:
Mucopolysaccharidosis type 7 (MPS7). Also called: MPS VII; GUSB DEFICIENCY; SLY SYNDROME; BETA-GLUCURONIDASE DEFICIENCY. Identifiers: Orphanet 584, MedGen C0085132, MONDO:0009662, OMIM 253220.

gnomAD v4.1: 1 of 1,613,170 alleles (0.000062%); highest among the groups gnomAD compares: South Asian, 0.0011%; no homozygotes.

Submissions (2):

Labcorp Genetics (formerly Invitae), Labcorp
Classification: Uncertain significance for Mucopolysaccharidosis type 7. Last evaluated: 2022-08-16. Review status: criteria provided, single submitter. Criteria: Invitae Variant Classification Sherloc (09022015). Collection method: clinical testing. Allele origin: germline.
Comment: This sequence change replaces proline, which is neutral and non-polar, with threonine, which is neutral and polar, at codon 475 of the GUSB protein (p.Pro475Thr). This variant is not present in population databases (gnomAD no frequency). This variant has not been reported in the literature in individuals affected with GUSB-related conditions. Algorithms developed to predict the effect of missense changes on protein structure and function are either unavailable or do not agree on the potential impact of this missense change (SIFT: "Tolerated"; PolyPhen-2: "Possibly Damaging"; Align-GVGD: "Class C0"). In summary, the available evidence is currently insufficient to determine the role of this variant in disease. Therefore, it has been classified as a Variant of Uncertain Significance.

Institute of Human Genetics, Clinical Exome/Genome Diagnostics Group, University Hospital Bonn
Classification: Uncertain significance for Mucopolysaccharidosis type 7. Review status: criteria provided, single submitter. Criteria: ACMG Guidelines, 2015. Collection method: clinical testing. Allele origin: germline. Affected: yes.